The following is an entry in ClinVar:

NM_138694.4(PKHD1):c.9662C>T (p.Pro3221Leu)

Gene: PKHD1 (PKHD1 ciliary IPT domain containing fibrocystin/polyductin; minus strand). Cytogenetic location: 6p12.3.
Variant type: single nucleotide variant.
Coding change: c.9662C>T on transcript NM_138694.4 (MANE Select); coding-DNA position 9662, C replaced by T.
Protein change: p.Pro3221Leu; replaces proline 3221 with leucine.
Molecular consequence: missense variant.
Genome position (GRCh38, 1-based): chr6:51,747,954, G>A on the plus strand (C>T on the coding strand, the complement: PKHD1 is on the minus strand). VCF-style: chr6-51747954-G-A. GRCh37 (hg19) VCF-style: chr6-51612752-G-A.
Other names: c.9662C>T, p.Pro3221Leu (NM_170724.3); short protein forms P3221L.
Identifiers: ClinVar variation 593890 (VCV000593890.65), dbSNP rs145141656, ClinGen allele CA3851356.

ClinVar aggregate classification (germline): Conflicting classifications of pathogenicity. Review status: criteria provided, conflicting classifications (1 of 4 stars). 11 submissions from 11 submitters: Likely pathogenic (1); Uncertain significance (9). 1 of the submissions does not count toward it. Last evaluated 2026-09-18.

Conditions:
Inborn genetic diseases. Identifiers: MedGen C0950123, MeSH D030342.
Polycystic kidney disease 4 (PKD4). Also called: POLYCYSTIC KIDNEY AND HEPATIC DISEASE 1; POLYCYSTIC KIDNEY DISEASE, INFANTILE, TYPE I; Autosomal Recessive Polycystic Kidney Disease – PKHD1; PKD3; POLYCYSTIC KIDNEY DISEASE 4 WITH OR WITHOUT POLYCYSTIC LIVER DISEASE. Identifiers: MedGen C4540575, MONDO:0033004, OMIM 263200.
Autosomal recessive polycystic kidney disease (ARPKD). Also called: AR polycystic kidney disease. Identifiers: Orphanet 731, Orphanet 8378, MedGen C0085548, MeSH D017044, MONDO:0009889.
PKHD1-related disorder. Also called: PKHD1-related condition.

Allele frequency attached by ClinVar (database versions not stated): ESP Exome Variant Server 0.00008; gnomAD 0.00016 and 0.00018; gnomAD exomes 0.00017 and 0.00040; TOPMed 0.00017; ExAC 0.00040; 1000 Genomes Project 30x 0.00047; 1000 Genomes Project 0.00060.
gnomAD v4.1: 274 of 1,614,006 alleles (0.017%); highest among the groups gnomAD compares: Middle Eastern, 0.13%; 1 homozygote.

Submissions (11):

PreventionGenetics, part of Exact Sciences
Classification: Uncertain significance for PKHD1-related condition. Last evaluated: 2026-09-18. Review status: criteria provided, single submitter. Criteria: ACMG Guidelines, 2015. Collection method: clinical testing. Allele origin: germline.
Comment: The PKHD1 c.9662C>T variant is predicted to result in the amino acid substitution p.Pro3221Leu. To our knowledge, this variant has not been reported in the literature. This variant is reported in 0.13% of alleles in individuals of East Asian descent in gnomAD. Although we suspect that this variant may be benign, at this time, the clinical significance of this variant is uncertain due to the absence of conclusive functional and genetic evidence.

Labcorp Genetics (formerly Invitae), Labcorp
Classification: Likely pathogenic for Autosomal recessive polycystic kidney disease. Last evaluated: 2026-01-24. Review status: criteria provided, single submitter. Criteria: Invitae Variant Classification Sherloc (09022015). Collection method: clinical testing. Allele origin: germline.
Comment: This sequence change replaces proline, which is neutral and non-polar, with leucine, which is neutral and non-polar, at codon 3221 of the PKHD1 protein (p.Pro3221Leu). This variant is present in population databases (rs145141656, gnomAD 0.1%). This missense change has been observed in individual(s) with clinical features of polycystic kidney disease (internal data). In at least one individual the data is consistent with being in trans (on the opposite chromosome) from a pathogenic variant. ClinVar contains an entry for this variant (Variation ID: 593890). Invitae Evidence Modeling of protein sequence and biophysical properties (such as structural, functional, and spatial information, amino acid conservation, physicochemical variation, residue mobility, and thermodynamic stability) indicates that this missense variant is expected to disrupt PKHD1 protein function with a positive predictive value of 95%. In summary, the currently available evidence indicates that the variant is pathogenic, but additional data are needed to prove that conclusively. Therefore, this variant has been classified as Likely Pathogenic.

Dasa
Classification: Uncertain significance. Last evaluated: 2025-08-17. Review status: criteria provided, single submitter. Criteria: DASA Assertion Criteria. Collection method: clinical testing. Allele origin: germline.
Comment: NM_138694.4(PKHD1):c.9662C>T (p.Pro3221Leu) is a missense variant that results in the substitution of proline with leucine. This variant has been reported in individuals with PKHD1-related disorders (PMID: 35783601). Also, this variant is rare in population databases. Computational prediction algorithms are consistent with a deleterious effect. The currently available literature and clinical evidence are not sufficient to establish a definitive association between this variant and the reported condition. Therefore, this variant is classified as a variant of uncertain significance.

Blueprint Genetics
Classification: Uncertain significance. Last evaluated: 2024-09-16. Review status: criteria provided, single submitter. Criteria: ACMG Guidelines, 2015. Collection method: clinical testing. Allele origin: germline.

Fulgent Genetics
Classification: Uncertain significance for Polycystic kidney disease 4. Last evaluated: 2024-06-05. Review status: criteria provided, single submitter. Criteria: ACMG Guidelines, 2015. Collection method: clinical testing. Allele origin: germline.

GeneDx
Classification: Uncertain significance. Last evaluated: 2023-07-19. Review status: criteria provided, single submitter. Criteria: GeneDx Variant Classification Process June 2021. Collection method: clinical testing. Allele origin: germline. Affected: yes.
Comment: In silico analysis supports that this missense variant has a deleterious effect on protein structure/function; Has not been previously published as pathogenic or benign to our knowledge

Ambry Genetics
Classification: Uncertain significance for Inborn genetic diseases. Last evaluated: 2021-06-22. Review status: criteria provided, single submitter. Criteria: Ambry Variant Classification Scheme 2023. Collection method: clinical testing. Allele origin: germline.

Eurofins Ntd Llc (ga)
Classification: Uncertain significance. Last evaluated: 2017-09-19. Review status: criteria provided, single submitter. Criteria: EGL Classification Definitions 2015. Collection method: clinical testing. Allele origin: germline. Observed: 2 variant alleles, 2 heterozygotes.

CeGaT Center for Human Genetics Tuebingen
Classification: Uncertain significance. Last evaluated: 2017-06-01. Review status: criteria provided, single submitter. Criteria: CeGaT Center For Human Genetics Tuebingen Variant Classification Criteria Version 2. Collection method: clinical testing. Allele origin: germline. Affected: yes. Observed: 1 variant allele.

Juno Genomics, Hangzhou Juno Genomics, Inc
Classification: Uncertain significance for Polycystic kidney disease 4. Review status: criteria provided, single submitter. Criteria: ACMG Guidelines, 2015. Collection method: clinical testing. Allele origin: germline.
Comment: Multiple lines of computational evidence support a deleterious effect on the gene or gene product.

Natera, Inc.
Classification: Uncertain significance for Autosomal recessive polycystic kidney disease. Last evaluated: 2018-05-03. Review status: no assertion criteria provided. Collection method: clinical testing. Allele origin: germline. Not counted in ClinVar's aggregate classification.

Literature cited by the submitters: PubMed 35783601 (cited by Dasa).